The following is an entry in ClinVar:

ClinVar aggregate classification (germline): Uncertain significance. Review status: criteria provided, multiple submitters, no conflicts (2 of 4 stars). 2 submissions from 2 submitters: Uncertain significance (2). Last evaluated 2025-05-20.

Conditions:
Hereditary cancer-predisposing syndrome. Also called: Hereditary Cancer Syndrome; Neoplastic Syndromes, Hereditary; Tumor predisposition; Hereditary neoplastic syndrome. Identifiers: Orphanet 140162, MedGen C0027672, MeSH D009386, MONDO:0015356.

Submissions (2):

Ambry Genetics
Classification: Uncertain significance for Hereditary cancer-predisposing syndrome. Last evaluated: 2025-05-20. Review status: criteria provided, single submitter. Criteria: Ambry Variant Classification Scheme 2023. Collection method: clinical testing. Allele origin: germline.
Comment: The p.S1337N variant (also known as c.4010G>A), located in coding exon 32 of the POLE gene, results from a G to A substitution at nucleotide position 4010. The serine at codon 1337 is replaced by asparagine, an amino acid with highly similar properties. This amino acid position is conserved. In addition, this alteration is predicted to be tolerated by in silico analysis. Based on the available evidence, the clinical significance of this variant remains unclear.

Labcorp Genetics (formerly Invitae), Labcorp
Classification: Uncertain significance. Last evaluated: 2020-02-05. Review status: criteria provided, single submitter. Criteria: Invitae Variant Classification Sherloc (09022015). Collection method: clinical testing. Allele origin: germline.
Comment: In summary, the available evidence is currently insufficient to determine the role of this variant in disease. Therefore, it has been classified as a Variant of Uncertain Significance. Algorithms developed to predict the effect of missense changes on protein structure and function (SIFT, PolyPhen-2, Align-GVGD) all suggest that this variant is likely to be tolerated, but these predictions have not been confirmed by published functional studies and their clinical significance is uncertain. This variant has not been reported in the literature in individuals with POLE-related conditions. This variant is not present in population databases (ExAC no frequency). This sequence change replaces serine with asparagine at codon 1337 of the POLE protein (p.Ser1337Asn). The serine residue is weakly conserved and there is a small physicochemical difference between serine and asparagine.

NM_006231.4(POLE):c.4010G>A (p.Ser1337Asn)

Gene: POLE (DNA polymerase epsilon, catalytic subunit; minus strand). Cytogenetic location: 12q24.33.
Variant type: single nucleotide variant.
Coding change: c.4010G>A on transcript NM_006231.4 (MANE Select); coding-DNA position 4010, G replaced by A.
Protein change: p.Ser1337Asn; replaces serine 1337 with asparagine.
Molecular consequence: missense variant.
Genome position (GRCh38, 1-based): chr12:132,649,068, C>T on the plus strand (G>A on the coding strand, the complement: POLE is on the minus strand). VCF-style: chr12-132649068-C-T. GRCh37 (hg19) VCF-style: chr12-133225654-C-T.
Other names: c.4010G>A (NM_006231.2); short protein forms S1337N.
Identifiers: ClinVar variation 1021375 (VCV001021375.10), dbSNP rs2042354612, ClinGen allele CA387384036.
Genomic context (GRCh38, chr12:132,649,068, plus strand): 5'-CAGTGCAAGTCACTGCCAACGAGCGCCCACAGCCTGAACAGGCCGGCCTGGCTGGTCTCG[C>T]TGATCTGAAAGGCCACACGGACATACAGCACATCACAGGACACACTGGAACCCACAGACG-3'
Protein context (NP_006222.2, residues 1327-1347): LDLPWQIVQI[Ser1337Asn]ETSQAGLFRL